The following is an entry in ClinVar:

NM_017780.4(CHD7):c.8896G>T (p.Ala2966Ser)

Gene: CHD7 (chromodomain helicase DNA binding protein 7; plus strand). Cytogenetic location: 8q12.2.
Variant type: single nucleotide variant.
Coding change: c.8896G>T on transcript NM_017780.4 (MANE Select); coding-DNA position 8896, G replaced by T.
Protein change: p.Ala2966Ser; replaces alanine 2966 with serine.
Molecular consequence: missense variant.
Genome position (GRCh38, 1-based): chr8:60,865,835, G>T. VCF-style: chr8-60865835-G-T. GRCh37 (hg19) VCF-style: chr8-61778394-G-T.
Other names: c.2749G>T, p.Ala917Ser (NM_001316690.1); short protein forms A2966S, A917S.
Identifiers: ClinVar variation 3765633 (VCV003765633.1).

ClinVar aggregate classification (germline): Likely pathogenic (1 of 4 stars; one submission).

Conditions:
CHARGE syndrome (CHARGE). Also called: Hittner Hirsch Kreh syndrome; CHARGE ASSOCIATION--COLOBOMA, HEART ANOMALY, CHOANAL ATRESIA, RETARDATION, GENITAL AND EAR ANOMALIES; Coloboma, heart anomaly, choanal atresia, retardation, genital and ear anomalies; CHARGE association; Hall-Hittner syndrome. Identifiers: Orphanet 138, MedGen C0265354, MONDO:0008965.

Submission:

Greenwood Genetic Center Diagnostic Laboratories, Greenwood Genetic Center
Classification: Likely pathogenic for CHD7-related CHARGE syndrome. Last evaluated: 2024-09-06. Review status: criteria provided, single submitter. Criteria: ACMG Guidelines, 2015. Collection method: clinical testing. Allele origin: germline. Affected: yes.
Comment: PS2, PM2, PP2